The following is an entry in ClinVar:

NM_020791.4(TAOK1):c.2361C>G (p.Ala787=)

Gene: TAOK1 (TAO kinase 1; plus strand). Cytogenetic location: 17q11.2.
Variant type: single nucleotide variant.
Coding change: c.2361C>G on transcript NM_020791.4 (MANE Select); coding-DNA position 2361, C replaced by G.
Protein change: p.Ala787=; no amino-acid change (alanine 787 retained).
Molecular consequence: synonymous variant.
Genome position (GRCh38, 1-based): chr17:29,530,619, C>G. VCF-style: chr17-29530619-C-G. GRCh37 (hg19) VCF-style: chr17-27857637-C-G.
Other names: c.1917C>G, p.Ala639= (NM_025142.1).
Identifiers: ClinVar variation 3040921 (VCV003040921.6), dbSNP rs147661331, ClinGen allele CA8474820.

ClinVar aggregate classification (germline): Likely benign. Review status: criteria provided, single submitter (1 of 4 stars). 2 submissions from 2 submitters: Likely benign (1). 1 of the submissions does not count toward it. Last evaluated 2026-04-01.

Conditions:
TAOK1-related disorder. Also called: TAOK1-related condition.

Allele frequency attached by ClinVar (database versions not stated): 1000 Genomes Project 0.00140; 1000 Genomes Project 30x 0.00172; ESP Exome Variant Server 0.00192.
gnomAD v4.1: 511 of 1,613,638 alleles (0.032%); highest among the groups gnomAD compares: African/African-American, 0.56%; 1 homozygote.

Submissions (2):

CeGaT Center for Human Genetics Tuebingen
Classification: Likely benign. Last evaluated: 2026-04-01. Review status: criteria provided, single submitter. Criteria: CeGaT Center For Human Genetics Tuebingen Variant Classification Criteria Version 2. Collection method: clinical testing. Allele origin: germline. Affected: yes. Observed: 2 variant alleles.
Comment: TAOK1: BP4, BP7

PreventionGenetics, part of Exact Sciences
Classification: Likely benign for TAOK1-related condition. Last evaluated: 2020-01-28. Review status: no assertion criteria provided. Collection method: clinical testing. Allele origin: germline. Not counted in ClinVar's aggregate classification.
Comment: This variant is classified as likely benign based on ACMG/AMP sequence variant interpretation guidelines (Richards et al. 2015 PMID: 25741868, with internal and published modifications).